The following is an entry in ClinVar:

NM_000352.6(ABCC8):c.4464G>A (p.Leu1488=)

Gene: ABCC8 (ATP binding cassette subfamily C member 8; minus strand). Cytogenetic location: 11p15.1.
Variant type: single nucleotide variant.
Coding change: c.4464G>A on transcript NM_000352.6 (MANE Select); coding-DNA position 4464, G replaced by A.
Protein change: p.Leu1488=; no amino-acid change (leucine 1488 retained).
Molecular consequence: synonymous variant. On other transcripts: non-coding transcript variant (1).
Genome position (GRCh38, 1-based): chr11:17,394,347, C>T on the plus strand (G>A on the coding strand, the complement: ABCC8 is on the minus strand). VCF-style: chr11-17394347-C-T. GRCh37 (hg19) VCF-style: chr11-17415894-C-T.
Other names: c.4464G>A (NM_000352.3); c.4467G>A, p.Leu1489= (NM_001287174.3); c.4530G>A, p.Leu1510= (NM_001351295.2); c.4464G>A, p.Leu1488= (NM_001351296.2); c.4461G>A, p.Leu1487= (NM_001351297.2).
Identifiers: ClinVar variation 754271 (VCV000754271.17), dbSNP rs374880588, ClinGen allele CA5902469.

ClinVar aggregate classification (germline): Conflicting classifications of pathogenicity. Review status: criteria provided, conflicting classifications (1 of 4 stars). 5 submissions from 4 submitters: Uncertain significance (2); Likely benign (3). Last evaluated 2026-01-28.

Conditions:
Inborn genetic diseases. Identifiers: MedGen C0950123, MeSH D030342.
Transitory neonatal diabetes mellitus. Also called: Transient neonatal diabetes mellitus. Identifiers: MedGen C0342273, MONDO:0020525, HP:0008255.
Maturity-onset diabetes of the young (MODY). Also called: Maturity onset diabetes mellitus in young. Identifiers: Orphanet 552, MedGen C0342276, MONDO:0018911, HP:0004904.

Allele frequency attached by ClinVar (database versions not stated): gnomAD exomes 0.00001 and 0.00002; ExAC 0.00002; gnomAD 0.00012 and 0.00013; TOPMed 0.00015; ESP Exome Variant Server 0.00023.
gnomAD v4.1: 36 of 1,614,004 alleles (0.0022%); highest among the groups gnomAD compares: African/African-American, 0.043%; no homozygotes.

Submissions (5):

Labcorp Genetics (formerly Invitae), Labcorp
Classification: Likely benign. Last evaluated: 2026-01-28. Review status: criteria provided, single submitter. Criteria: Invitae Variant Classification Sherloc (09022015). Collection method: clinical testing. Allele origin: germline.

Ambry Genetics
Classification: Likely benign for Inborn genetic diseases. Last evaluated: 2023-01-08. Review status: criteria provided, single submitter. Criteria: Ambry Variant Classification Scheme 2023. Collection method: clinical testing. Allele origin: germline.

Genetic Services Laboratory, University of Chicago
Classification: Likely benign. Last evaluated: 2020-03-06. Review status: criteria provided, single submitter. Criteria: ACMG Guidelines, 2015. Collection method: clinical testing. Allele origin: germline. Affected: no.

Clinical Genomics, Uppaluri K&H Personalized Medicine Clinic
Classification: Uncertain significance for Maturity-onset diabetes of the young. Review status: criteria provided, single submitter. Criteria: K & H Uppaluri Personalized Medicine Clinic Variant Classification & Assertion Criteria_Updated V.1. Collection method: research. Allele origin: somatic. Inheritance: Somatic mutation.
Comment: Mutations in ABCC8 gene are associated with both neonatal diabetes mellitus as well as MODY. Patients with this mutation may have a better response to sulfonylureas. However, no sufficient evidence is found to ascertain the role of this particular variant ( rs374880588) in MODY yet.

Clinical Genomics, Uppaluri K&H Personalized Medicine Clinic
Classification: Uncertain significance for Transitory neonatal diabetes mellitus. Review status: criteria provided, single submitter. Criteria: K & H Uppaluri Personalized Medicine Clinic Variant Classification & Assertion Criteria_Updated V.1. Collection method: research. Allele origin: somatic. Inheritance: Somatic mutation.
Comment: Mutations in ABCC8 gene are associated with both neonatal diabetes mellitus as well as MODY. Patients with this mutation may have a better response to sulfonylureas. However, no sufficient evidence is found to ascertain the role of this particular variant ( rs374880588) in neonatal diabetes yet.

Literature cited by the submitters: PubMed 16885549 (cited by Clinical Genomics, Uppaluri K&H Personalized Medicine Clinic); PubMed 21989597 (cited by Clinical Genomics, Uppaluri K&H Personalized Medicine Clinic); PubMed 27538677 (cited by Clinical Genomics, Uppaluri K&H Personalized Medicine Clinic); PubMed 18981553 (cited by Clinical Genomics, Uppaluri K&H Personalized Medicine Clinic); PubMed 32027066 (cited by Clinical Genomics, Uppaluri K&H Personalized Medicine Clinic); PubMed 16613899 (cited by Clinical Genomics, Uppaluri K&H Personalized Medicine Clinic); PubMed 18025408 (cited by Clinical Genomics, Uppaluri K&H Personalized Medicine Clinic); PubMed 32792356 (cited by Clinical Genomics, Uppaluri K&H Personalized Medicine Clinic).